The following is an entry in ClinVar:

ClinVar aggregate classification (germline): Uncertain significance (1 of 4 stars; one submission).

Allele frequency attached by ClinVar (database versions not stated): gnomAD exomes below 0.00001.
gnomAD v4.1: 2 of 1,211,633 alleles (0.00017%); highest among the groups gnomAD compares: Non-Finnish European, 0.00022%; no homozygotes.

Submission:

Labcorp Genetics (formerly Invitae), Labcorp
Classification: Uncertain significance. Last evaluated: 2020-10-09. Review status: criteria provided, single submitter. Criteria: Invitae Variant Classification Sherloc (09022015). Collection method: clinical testing. Allele origin: germline.
Comment: In summary, the available evidence is currently insufficient to determine the role of this variant in disease. Therefore, it has been classified as a Variant of Uncertain Significance. Algorithms developed to predict the effect of missense changes on protein structure and function are either unavailable or do not agree on the potential impact of this missense change (SIFT: "Not Available"; PolyPhen-2: "Probably Damaging"; Align-GVGD: "Not Available"). This variant has not been reported in the literature in individuals with BGN-related conditions. This variant is not present in population databases (ExAC no frequency). This sequence change replaces serine with isoleucine at codon 198 of the BGN protein (p.Ser198Ile). The serine residue is highly conserved and there is a large physicochemical difference between serine and isoleucine.

NM_001711.6(BGN):c.593G>T (p.Ser198Ile)

Gene: BGN (biglycan; plus strand). Cytogenetic location: Xq28.
Variant type: single nucleotide variant.
Coding change: c.593G>T on transcript NM_001711.6 (MANE Select); coding-DNA position 593, G replaced by T.
Protein change: p.Ser198Ile; replaces serine 198 with isoleucine.
Molecular consequence: missense variant.
Genome position (GRCh38, 1-based): chrX:153,506,556, G>T. VCF-style: chrX-153506556-G-T. GRCh37 (hg19) VCF-style: chrX-152772014-G-T.
Other names: short protein forms S198I.
Identifiers: ClinVar variation 1015718 (VCV001015718.7), dbSNP rs2089802018, ClinGen allele CA415070544.
Genomic context (GRCh38, chrX:153,506,556, plus strand): 5'-CAGGCTCCCGGGCTAATGAGGTCTCTCCCCTAGAGATGGGCGGGAACCCACTGGAGAACA[G>T]TGGCTTTGAACCTGGAGCCTTCGATGGCCTGAAGCTCAACTACCTGCGCATCTCAGAGGC-3'
Protein context (NP_001702.1, residues 188-208): IEMGGNPLEN[Ser198Ile]GFEPGAFDGL